The following is an entry in ClinVar:

NM_000051.4(ATM):c.8850+8A>G

Genes: ATM (ATM serine/threonine kinase; plus strand), C11orf65 (chromosome 11 open reading frame 65; minus strand). Cytogenetic location: 11q22.3.
Variant type: single nucleotide variant.
Coding change: c.8850+8A>G on transcript NM_000051.4 (MANE Select); 8 bases into the intron after coding-DNA position 8850, A replaced by G.
Molecular consequence: intron variant.
Genome position (GRCh38, 1-based): chr11:108,354,882, A>G. VCF-style: chr11-108354882-A-G. GRCh37 (hg19) VCF-style: chr11-108225609-A-G.
Other names: c.8850+8A>G (NM_001351834.2); c.640+31038T>C (NM_001330368.2); c.695-19590T>C (NM_001351110.2).
Identifiers: ClinVar variation 380854 (VCV000380854.3), dbSNP rs1057520908, ClinGen allele CA16606858.

ClinVar aggregate classification (germline): Likely benign (1 of 4 stars; one submission).

Submission:

GeneDx
Classification: Likely benign. Last evaluated: 2015-10-05. Review status: criteria provided, single submitter. Criteria: GeneDx Variant Classification (06012015). Collection method: clinical testing. Allele origin: germline. Affected: yes.
Comment: This variant is considered likely benign or benign based on one or more of the following criteria: it is a conservative change, it occurs at a poorly conserved position in the protein, it is predicted to be benign by multiple in silico algorithms, and/or has population frequency not consistent with disease.